The following is an entry in ClinVar:

NM_015512.5(DNAH1):c.11494C>T (p.Arg3832Cys)

Gene: DNAH1 (dynein axonemal heavy chain 1; plus strand). Cytogenetic location: 3p21.1.
Variant type: single nucleotide variant.
Coding change: c.11494C>T on transcript NM_015512.5 (MANE Select); coding-DNA position 11494, C replaced by T.
Protein change: p.Arg3832Cys; replaces arginine 3832 with cysteine.
Molecular consequence: missense variant.
Genome position (GRCh38, 1-based): chr3:52,396,681, C>T. VCF-style: chr3-52396681-C-T. GRCh37 (hg19) VCF-style: chr3-52430697-C-T.
Other names: p.His3832Tyr; short protein forms R3832C.
Identifiers: ClinVar variation 478400 (VCV000478400.17), dbSNP rs200962458, ClinGen allele CA2436190.
Genomic context (GRCh38, chr3:52,396,681, plus strand): 5'-ATGGAGTTCAAGTCTCTGCTGCTGTCTCTGTGCTTGTTCCATGGGAACGCCCTGGAGCGC[C>T]GTAAGTTTGGGCCCCTGGGCTTCAACATCCCCTATGAGTTCACGGATGGAGATCTGCGCA-3'
Protein context (NP_056327.4, residues 3822-3842): CLFHGNALER[Arg3832Cys]KFGPLGFNIP

ClinVar aggregate classification (germline): Benign/Likely benign. Review status: criteria provided, multiple submitters, no conflicts (2 of 4 stars). 5 submissions from 5 submitters: Benign (3); Likely benign (2). Last evaluated 2026-02-01.

Conditions:
Spermatogenic failure 18. Identifiers: MedGen C4539783, MONDO:0054615, OMIM 617576.
Ciliary dyskinesia, primary, 37 (CILD37). Also called: CILIARY DYSKINESIA, PRIMARY, 37, WITH OR WITHOUT SITUS INVERSUS. Identifiers: MedGen C4539798, MONDO:0033204, OMIM 617577.

Allele frequency attached by ClinVar (database versions not stated): 1000 Genomes Project 30x 0.00062; 1000 Genomes Project 0.00080; TOPMed 0.00192; ESP Exome Variant Server 0.00218.
gnomAD v4.1: 5,583 of 1,613,720 alleles (0.35%); highest among the groups gnomAD compares: Non-Finnish European, 0.32%; 21 homozygotes.

Submissions (5):

Labcorp Genetics (formerly Invitae), Labcorp
Classification: Benign for Ciliary dyskinesia, primary, 37; Spermatogenic failure 18. Last evaluated: 2026-02-01. Review status: criteria provided, single submitter. Criteria: Invitae Variant Classification Sherloc (09022015). Collection method: clinical testing. Allele origin: germline.

CeGaT Center for Human Genetics Tuebingen
Classification: Likely benign. Last evaluated: 2025-07-01. Review status: criteria provided, single submitter. Criteria: CeGaT Center For Human Genetics Tuebingen Variant Classification Criteria Version 2. Collection method: clinical testing. Allele origin: germline. Affected: yes. Observed: 1 variant allele.
Comment: DNAH1: BS2

ARUP Laboratories, Molecular Genetics and Genomics, ARUP Laboratories
Classification: Likely benign. Last evaluated: 2025-03-27. Review status: criteria provided, single submitter. Criteria: ARUP Molecular Germline Variant Investigation Process 2024. Collection method: clinical testing. Allele origin: germline.

Mayo Clinic Laboratories, Mayo Clinic
Classification: Benign. Last evaluated: 2024-01-03. Review status: criteria provided, single submitter. Criteria: ACMG Guidelines, 2015. Collection method: clinical testing. Allele origin: germline. Observed: 2 variant alleles.
Comment: BA1, BS2, BP4

Breakthrough Genomics
Classification: Benign. Review status: criteria provided, single submitter. Criteria: ACMG Guidelines, 2015. Collection method: not provided. Allele origin: germline. Inheritance: Autosomal recessive inheritance. Affected: yes.